The following is an entry in ClinVar:

ClinVar aggregate classification (germline): Likely pathogenic (1 of 4 stars; one submission).

Conditions:
Dilated cardiomyopathy 1G (CMD1G). Identifiers: Orphanet 154, MedGen C1858763, MONDO:0011400, OMIM 604145.
Autosomal recessive limb-girdle muscular dystrophy type 2J (LGMDR10). Also called: MUSCULAR DYSTROPHY, LIMB-GIRDLE, AUTOSOMAL RECESSIVE 10; Limb-girdle muscular dystrophy, type 2J. Identifiers: Orphanet 140922, MedGen C1837342, MONDO:0012127, OMIM 608807.

Submission:

Labcorp Genetics (formerly Invitae), Labcorp
Classification: Likely pathogenic for Dilated cardiomyopathy 1G; Autosomal recessive limb-girdle muscular dystrophy type 2J. Last evaluated: 2023-11-27. Review status: criteria provided, single submitter. Criteria: Invitae Variant Classification Sherloc (09022015). Collection method: clinical testing. Allele origin: germline.
Comment: This sequence change creates a premature translational stop signal (p.Trp24540*) in the TTN gene. While this is not anticipated to result in nonsense mediated decay, it is expected to create a truncated TTN protein. This variant is not present in population databases (gnomAD no frequency). This premature translational stop signal has been observed in individual(s) with dilated cardiomyopathy (Invitae). ClinVar contains an entry for this variant (Variation ID: 1477177). This variant is located in the A band of TTN (PMID: 25589632). Truncating variants in this region are significantly overrepresented in patients affected with dilated cardiomyopathy (PMID: 25589632). Truncating variants in this region have also been reported in individuals affected with autosomal recessive centronuclear myopathy (PMID: 23975875). In summary, the currently available evidence indicates that the variant is pathogenic, but additional data are needed to prove that conclusively. Therefore, this variant has been classified as Likely Pathogenic.

Literature cited by the submitters: PubMed 25589632; PubMed 23975875.

NM_001267550.2(TTN):c.73620G>A (p.Trp24540Ter)

Genes: TTN (titin; minus strand), TTN-AS1 (TTN antisense RNA 1; plus strand). Cytogenetic location: 2q31.2.
Variant type: single nucleotide variant.
Coding change: c.73620G>A on transcript NM_001267550.2 (MANE Select); coding-DNA position 73620, G replaced by A.
Protein change: p.Trp24540Ter; replaces tryptophan 24540 with a stop codon.
Molecular consequence: nonsense.
Genome position (GRCh38, 1-based): chr2:178,572,512, C>T on the plus strand (G>A on the coding strand, the complement: TTN is on the minus strand). VCF-style: chr2-178572512-C-T. GRCh37 (hg19) VCF-style: chr2-179437239-C-T.
Other names: c.68697G>A, p.Trp22899Ter (NM_001256850.1); c.46425G>A, p.Trp15475Ter (NM_003319.4); c.65916G>A, p.Trp21972Ter (NM_133378.4); c.46800G>A, p.Trp15600Ter (NM_133432.3); c.47001G>A, p.Trp15667Ter (NM_133437.4); short protein forms W15475*, W15600*, W15667*, W21972*, W22899*, W24540*.
Identifiers: ClinVar variation 1477177 (VCV001477177.8), dbSNP rs2154170160, ClinGen allele CA349638047.